The following is an entry in ClinVar:

NM_004415.4(DSP):c.802C>A (p.His268Asn)

Gene: DSP (desmoplakin; plus strand). Cytogenetic location: 6p24.3.
Variant type: single nucleotide variant.
Coding change: c.802C>A on transcript NM_004415.4 (MANE Select); coding-DNA position 802, C replaced by A.
Protein change: p.His268Asn; replaces histidine 268 with asparagine.
Molecular consequence: missense variant.
Genome position (GRCh38, 1-based): chr6:7,565,383, C>A. VCF-style: chr6-7565383-C-A. GRCh37 (hg19) VCF-style: chr6-7565616-C-A.
Other names: c.802C>A, p.His268Asn (NM_001008844.3, NM_001319034.2, NM_001406591.1); short protein forms H268N.
Identifiers: ClinVar variation 3386620 (VCV003386620.3).

ClinVar aggregate classification (germline): Uncertain significance. Review status: criteria provided, multiple submitters, no conflicts (2 of 4 stars). 2 submissions from 2 submitters: Uncertain significance (2). Last evaluated 2024-09-23.

Conditions:
Arrhythmogenic cardiomyopathy with wooly hair and keratoderma. Also called: Carvajal syndrome; PALMOPLANTAR KERATODERMA WITH LEFT VENTRICULAR CARDIOMYOPATHY AND WOOLLY HAIR; Dilated cardiomyopathy with woolly hair and keratoderma; Arrhythmogenic cardiomyopathy with woolly hair and keratoderma. Identifiers: Orphanet 65282, MedGen C1854063, MONDO:0011581, OMIM 605676.
Arrhythmogenic right ventricular dysplasia 8 (ARVD8). Also called: ARRHYTHMOGENIC RIGHT VENTRICULAR DYSPLASIA, FAMILIAL, 8; Arrhythmogenic Right Ventricular Dysplasia/Cardiomyopathy 8; ARRHYTHMOGENIC RIGHT VENTRICULAR CARDIOMYOPATHY 8. Identifiers: MedGen C1843896, MONDO:0011831, OMIM 607450.

gnomAD v4.1: 7 of 1,614,088 alleles (0.00043%); highest among the groups gnomAD compares: Non-Finnish European, 0.00059%; no homozygotes.

Submissions (2):

All of Us Research Program, National Institutes of Health
Classification: Uncertain significance for Arrhythmogenic cardiomyopathy with wooly hair and keratoderma. Last evaluated: 2024-09-23. Review status: criteria provided, single submitter. Criteria: ACMG Guidelines, 2015. Collection method: clinical testing. Allele origin: germline. Inheritance: Autosomal dominant inheritance. Observed: 1 variant allele, 1 heterozygote.
Comment: This study involves interpretation of variants in research participants for the purpose of population health screening. Participant phenotype was not available at the time of variant classification. Additional details can be found in publication PMID: 35346344, PMCID: PMC8962531

Labcorp Genetics (formerly Invitae), Labcorp
Classification: Uncertain significance for Arrhythmogenic cardiomyopathy with wooly hair and keratoderma; Arrhythmogenic right ventricular dysplasia 8. Last evaluated: 2024-04-08. Review status: criteria provided, single submitter. Criteria: Invitae Variant Classification Sherloc (09022015). Collection method: clinical testing. Allele origin: germline.
Comment: This sequence change replaces histidine, which is basic and polar, with asparagine, which is neutral and polar, at codon 268 of the DSP protein (p.His268Asn). This variant is present in population databases (no rsID available, gnomAD 0.002%). This variant has not been reported in the literature in individuals affected with DSP-related conditions. An algorithm developed to predict the effect of missense changes on protein structure and function (PolyPhen-2) suggests that this variant is likely to be tolerated. In summary, the available evidence is currently insufficient to determine the role of this variant in disease. Therefore, it has been classified as a Variant of Uncertain Significance.